The following is an entry in ClinVar:

NM_005751.5(AKAP9):c.10585C>G (p.Leu3529Val)

Gene: AKAP9 (A-kinase anchoring protein 9; plus strand). Cytogenetic location: 7q21.2.
Variant type: single nucleotide variant.
Coding change: c.10585C>G on transcript NM_005751.5 (MANE Select); coding-DNA position 10585, C replaced by G.
Protein change: p.Leu3529Val; replaces leucine 3529 with valine.
Molecular consequence: missense variant.
Genome position (GRCh38, 1-based): chr7:92,097,772, C>G. VCF-style: chr7-92097772-C-G. GRCh37 (hg19) VCF-style: chr7-91727086-C-G.
Other names: c.5230C>G, p.Leu1744Val (NM_001379277.1); c.10561C>G, p.Leu3521Val (NM_147185.3); short protein forms L1744V, L3521V, L3529V.
Identifiers: ClinVar variation 4845180 (VCV004845180.1).

ClinVar aggregate classification (germline): Uncertain significance (1 of 4 stars; one submission).

Conditions:
Cardiovascular phenotype. Identifiers: MedGen CN230736.

Submission:

Ambry Genetics
Classification: Uncertain significance for Cardiovascular phenotype. Last evaluated: 2026-02-19. Review status: criteria provided, single submitter. Criteria: Ambry Variant Classification Scheme 2023. Collection method: clinical testing. Allele origin: germline.
Comment: The p.L3529V variant (also known as c.10585C>G), located in coding exon 42 of the AKAP9 gene, results from a C to G substitution at nucleotide position 10585. The leucine at codon 3529 is replaced by valine, an amino acid with highly similar properties. This amino acid position is conserved. In addition, this alteration is predicted to be tolerated by in silico analysis. Based on the available evidence, the clinical significance of this variant remains unclear.